The following is an entry in ClinVar:

ClinVar aggregate classification (germline): Uncertain significance (1 of 4 stars; one submission).

Submission:

Labcorp Genetics (formerly Invitae), Labcorp
Classification: Uncertain significance. Last evaluated: 2024-10-22. Review status: criteria provided, single submitter. Criteria: Invitae Variant Classification Sherloc (09022015). Collection method: clinical testing. Allele origin: germline.
Comment: This sequence change affects codon 1858 of the NYNRIN mRNA. It is a 'silent' change, meaning that it does not change the encoded amino acid sequence of the NYNRIN protein. This variant is not present in population databases (gnomAD no frequency). This variant has not been reported in the literature in individuals affected with NYNRIN-related conditions. Experimental studies and prediction algorithms are not available or were not evaluated, and the effect of this variant on mRNA splicing is currently unknown. In summary, the available evidence is currently insufficient to determine the role of this variant in disease. Therefore, it has been classified as a Variant of Uncertain Significance.

NM_025081.3(NYNRIN):c.5574G>A (p.Leu1858=)

Gene: NYNRIN (NYN domain and retroviral integrase containing; plus strand). Cytogenetic location: 14q12.
Variant type: single nucleotide variant.
Coding change: c.5574G>A on transcript NM_025081.3 (MANE Select); coding-DNA position 5574, G replaced by A.
Protein change: p.Leu1858=; no amino-acid change (leucine 1858 retained).
Molecular consequence: synonymous variant.
Genome position (GRCh38, 1-based): chr14:24,417,323, G>A. VCF-style: chr14-24417323-G-A. GRCh37 (hg19) VCF-style: chr14-24886529-G-A.
Identifiers: ClinVar variation 3626821 (VCV003626821.2).
Genomic context (GRCh38, chr14:24,417,323, plus strand): 5'-CAGGAATGGCAGCAGTGCCAAATGGGTGGGTCCCTTCTATATCGGGGACCGGCTGAGCCT[G>A]TCACTCTATAGGATATGGGGCTTCCCAACCCCAGAGAAGCTGGGGTGCATCTATCCCAGC-3'
Protein context (NP_079357.2, residues 1848-1868): GPFYIGDRLS[Leu1858=]SLYRIWGFPT